The following is an entry in ClinVar:

NM_022356.4(P3H1):c.582G>C (p.Glu194Asp)

Gene: P3H1 (prolyl 3-hydroxylase 1; minus strand). Cytogenetic location: 1p34.2.
Variant type: single nucleotide variant.
Coding change: c.582G>C on transcript NM_022356.4 (MANE Select); coding-DNA position 582, G replaced by C.
Protein change: p.Glu194Asp; replaces glutamic acid 194 with aspartic acid.
Molecular consequence: missense variant.
Genome position (GRCh38, 1-based): chr1:42,762,359, C>G on the plus strand (G>C on the coding strand, the complement: P3H1 is on the minus strand). VCF-style: chr1-42762359-C-G. GRCh37 (hg19) VCF-style: chr1-43228030-C-G.
Other names: c.582G>C, p.Glu194Asp (NM_001146289.2, NM_001243246.2); short protein forms E194D.
Identifiers: ClinVar variation 841256 (VCV000841256.7), dbSNP rs1235483593, ClinGen allele CA339961879.
Genomic context (GRCh38, chr1:42,762,359, plus strand): 5'-AGAAGGGGATAAAGTTTTTTTCACCATATGGGGTTGAGTCTCAAGATCCTTGAAGTCGGC[C>G]TCCTTCACTCCAGACATGGTTTGGTAATAGTCTAGGTTCTGCTGCATTTCCATGTGCTCA-3'
Protein context (NP_071751.3, residues 184-204): DYYQTMSGVK[Glu194Asp]ADFKDLETQP

ClinVar aggregate classification (germline): Uncertain significance (1 of 4 stars; one submission).

Conditions:
Osteogenesis imperfecta type 8 (OI8). Identifiers: MedGen C1970458, MONDO:0012581, OMIM 610915.

Allele frequency attached by ClinVar (database versions not stated): TOPMed below 0.00001; gnomAD 0.00001.

Submission:

Labcorp Genetics (formerly Invitae), Labcorp
Classification: Uncertain significance for Osteogenesis imperfecta type 8. Last evaluated: 2021-08-26. Review status: criteria provided, single submitter. Criteria: Invitae Variant Classification Sherloc (09022015). Collection method: clinical testing. Allele origin: germline.
Comment: This sequence change replaces glutamic acid with aspartic acid at codon 194 of the P3H1 protein (p.Glu194Asp). The glutamic acid residue is highly conserved and there is a small physicochemical difference between glutamic acid and aspartic acid. This variant is not present in population databases (ExAC no frequency). This variant has not been reported in the literature in individuals affected with P3H1-related conditions. Algorithms developed to predict the effect of missense changes on protein structure and function (SIFT, PolyPhen-2, Align-GVGD) all suggest that this variant is likely to be tolerated. In summary, the available evidence is currently insufficient to determine the role of this variant in disease. Therefore, it has been classified as a Variant of Uncertain Significance.